The following is an entry in ClinVar:

NM_022437.3(ABCG8):c.1603G>C (p.Val535Leu)

Gene: ABCG8 (ATP binding cassette subfamily G member 8; plus strand). Cytogenetic location: 2p21.
Variant type: single nucleotide variant.
Coding change: c.1603G>C on transcript NM_022437.3 (MANE Select); coding-DNA position 1603, G replaced by C.
Protein change: p.Val535Leu; replaces valine 535 with leucine.
Molecular consequence: missense variant.
Genome position (GRCh38, 1-based): chr2:43,875,260, G>C. VCF-style: chr2-43875260-G-C. GRCh37 (hg19) VCF-style: chr2-44102399-G-C.
Other names: c.1600G>C, p.Val534Leu (NM_001357321.2); short protein forms V534L, V535L.
Identifiers: ClinVar variation 4824221 (VCV004824221.1).

ClinVar aggregate classification (germline): Uncertain significance (1 of 4 stars; one submission).

Conditions:
Cardiovascular phenotype. Identifiers: MedGen CN230736.

gnomAD v4.1: 1 of 1,614,222 alleles (0.000062%); highest among the groups gnomAD compares: South Asian, 0.0011%; no homozygotes.

Submission:

Ambry Genetics
Classification: Uncertain significance for Cardiovascular phenotype. Last evaluated: 2026-02-14. Review status: criteria provided, single submitter. Criteria: Ambry Variant Classification Scheme 2023. Collection method: clinical testing. Allele origin: germline.
Comment: The p.V535L variant (also known as c.1603G>C), located in coding exon 11 of the ABCG8 gene, results from a G to C substitution at nucleotide position 1603. The valine at codon 535 is replaced by leucine, an amino acid with highly similar properties. This amino acid position is conserved. In addition, this alteration is predicted to be tolerated by in silico analysis. Based on the available evidence, the clinical significance of this variant remains unclear.